The following is an entry in ClinVar:

ClinVar aggregate classification (germline): Conflicting classifications of pathogenicity. Review status: criteria provided, conflicting classifications (1 of 4 stars). 2 submissions from 2 submitters: Uncertain significance (1); Likely benign (1). Last evaluated 2025-06-02.

Conditions:
Inborn genetic diseases. Identifiers: MedGen C0950123, MeSH D030342.

gnomAD v4.1: 61 of 1,608,746 alleles (0.0038%); highest among the groups gnomAD compares: Middle Eastern, 0.016%; no homozygotes.

Submissions (2):

GeneDx
Classification: Uncertain significance. Last evaluated: 2025-06-02. Review status: criteria provided, single submitter. Criteria: GeneDx Variant Classification Process June 2021. Collection method: clinical testing. Allele origin: germline. Affected: yes.
Comment: Identified in a cohort of individuals with Parkinson's disease, but individual patient information and familial segregation were not provided (PMID: 34148545); In silico analysis supports that this missense variant has a deleterious effect on protein structure/function; This variant is associated with the following publications: (PMID: 34148545)

Ambry Genetics
Classification: Likely benign for Inborn genetic diseases. Last evaluated: 2023-08-21. Review status: criteria provided, single submitter. Criteria: Ambry Variant Classification Scheme 2023. Collection method: clinical testing. Allele origin: germline.

NM_002768.5(CHMP1A):c.380C>T (p.Ser127Leu)

Gene: CHMP1A (charged multivesicular body protein 1A; minus strand). Cytogenetic location: 16q24.3.
Variant type: single nucleotide variant.
Coding change: c.380C>T on transcript NM_002768.5 (MANE Select); coding-DNA position 380, C replaced by T.
Protein change: p.Ser127Leu; replaces serine 127 with leucine.
Molecular consequence: missense variant. On other transcripts: synonymous variant (1), non-coding transcript variant (1).
Genome position (GRCh38, 1-based): chr16:89,647,204, G>A on the plus strand (C>T on the coding strand, the complement: CHMP1A is on the minus strand). VCF-style: chr16-89647204-G-A. GRCh37 (hg19) VCF-style: chr16-89713612-G-A.
Other names: c.360C>T, p.Ile120= (NM_001083314.4); c.380C>T (NM_002768.4); short protein forms S127L.
Identifiers: ClinVar variation 2594876 (VCV002594876.3), dbSNP rs201945919, ClinGen allele CA8247052.